The following is an entry in ClinVar:

ClinVar aggregate classification (germline): Uncertain significance. Review status: criteria provided, multiple submitters, no conflicts (2 of 4 stars). 2 submissions from 2 submitters: Uncertain significance (2). Last evaluated 2025-12-11.

Conditions:
Spondyloepimetaphyseal dysplasia with joint laxity (SEMDJL). Identifiers: MedGen C0432243, MONDO:0019675.
Ehlers-Danlos syndrome, spondylodysplastic type, 2 (EDSSPD2). Also called: Ehlers-Danlos syndrome, progeroid type, 2. Identifiers: Orphanet 536467, Orphanet 75496, MedGen C3809210, MONDO:0014139, OMIM 615349.
Inborn genetic diseases. Identifiers: MedGen C0950123, MeSH D030342.

Submissions (2):

Ambry Genetics
Classification: Uncertain significance for Inborn genetic diseases. Last evaluated: 2025-12-11. Review status: criteria provided, single submitter. Criteria: Ambry Variant Classification Scheme 2023. Collection method: clinical testing. Allele origin: germline.

Labcorp Genetics (formerly Invitae), Labcorp
Classification: Uncertain significance for Ehlers-Danlos syndrome, spondylodysplastic type, 2; Spondyloepimetaphyseal dysplasia with joint laxity. Last evaluated: 2022-06-13. Review status: criteria provided, single submitter. Criteria: Invitae Variant Classification Sherloc (09022015). Collection method: clinical testing. Allele origin: germline.
Comment: In summary, the available evidence is currently insufficient to determine the role of this variant in disease. Therefore, it has been classified as a Variant of Uncertain Significance. Algorithms developed to predict the effect of missense changes on protein structure and function are either unavailable or do not agree on the potential impact of this missense change (SIFT: "Tolerated"; PolyPhen-2: "Possibly Damaging"; Align-GVGD: "Class C0"). This variant has not been reported in the literature in individuals affected with B3GALT6-related conditions. The frequency data for this variant in the population databases is considered unreliable, as metrics indicate insufficient coverage at this position in the gnomAD database. This sequence change replaces proline, which is neutral and non-polar, with arginine, which is basic and polar, at codon 50 of the B3GALT6 protein (p.Pro50Arg).

NM_080605.4(B3GALT6):c.149C>G (p.Pro50Arg)

Gene: B3GALT6 (beta-1,3-galactosyltransferase 6; plus strand). Cytogenetic location: 1p36.33.
Variant type: single nucleotide variant.
Coding change: c.149C>G on transcript NM_080605.4 (MANE Select); coding-DNA position 149, C replaced by G.
Protein change: p.Pro50Arg; replaces proline 50 with arginine.
Molecular consequence: missense variant.
Genome position (GRCh38, 1-based): chr1:1,232,427, C>G. VCF-style: chr1-1232427-C-G. GRCh37 (hg19) VCF-style: chr1-1167807-C-G.
Other names: c.149C>G (NM_080605.3); short protein forms P50R.
Identifiers: ClinVar variation 1486810 (VCV001486810.5), dbSNP rs1156566104, ClinGen allele CA337822885.